The following is an entry in ClinVar:

NM_000465.4(BARD1):c.1564G>T (p.Ala522Ser)

Gene: BARD1 (BRCA1 associated RING domain 1; minus strand). Cytogenetic location: 2q35.
Variant type: single nucleotide variant.
Coding change: c.1564G>T on transcript NM_000465.4 (MANE Select); coding-DNA position 1564, G replaced by T.
Protein change: p.Ala522Ser; replaces alanine 522 with serine.
Molecular consequence: missense variant. On other transcripts: non-coding transcript variant (3), intron variant (3).
Genome position (GRCh38, 1-based): chr2:214,767,486, C>A on the plus strand (G>T on the coding strand, the complement: BARD1 is on the minus strand). VCF-style: chr2-214767486-C-A. GRCh37 (hg19) VCF-style: chr2-215632210-C-A.
Other names: c.1507G>T, p.Ala503Ser (NM_001282543.2); c.159-14931G>T (NM_001282548.2); c.216-14931G>T (NM_001282545.2); c.364+24811G>T (NM_001282549.2); short protein forms A522S, A503S.
Identifiers: ClinVar variation 230879 (VCV000230879.19), dbSNP rs730881419, ClinGen allele CA10577798.

ClinVar aggregate classification (germline): Uncertain significance. Review status: criteria provided, multiple submitters, no conflicts (2 of 4 stars). 6 submissions from 6 submitters: Uncertain significance (6). Last evaluated 2025-12-04.

Conditions:
Familial cancer of breast. Also called: BREAST CANCER, FAMILIAL; hereditary breast carcinoma; Hereditary breast cancer. Identifiers: Orphanet 227535, MedGen C0346153, MONDO:0016419, OMIM 114480. Disease mechanism: loss of function.
Hereditary cancer-predisposing syndrome. Also called: Neoplastic Syndromes, Hereditary; Tumor predisposition; Hereditary Cancer Syndrome; Hereditary neoplastic syndrome. Identifiers: Orphanet 140162, MedGen C0027672, MeSH D009386, MONDO:0015356.

gnomAD v4.1: 2 of 1,613,224 alleles (0.00012%); highest among the groups gnomAD compares: Admixed American, 0.0017%; no homozygotes.

Submissions (6):

Women's Health and Genetics/Laboratory Corporation of America, LabCorp
Classification: Uncertain significance. Last evaluated: 2025-12-04. Review status: criteria provided, single submitter. Criteria: LabCorp Variant Classification Summary - May 2015. Collection method: clinical testing. Allele origin: germline.

Labcorp Genetics (formerly Invitae), Labcorp
Classification: Uncertain significance for Familial cancer of breast. Last evaluated: 2025-07-31. Review status: criteria provided, single submitter. Criteria: Invitae Variant Classification Sherloc (09022015). Collection method: clinical testing. Allele origin: germline.
Comment: This sequence change replaces alanine, which is neutral and non-polar, with serine, which is neutral and polar, at codon 522 of the BARD1 protein (p.Ala522Ser). This variant is not present in population databases (gnomAD no frequency). This variant has not been reported in the literature in individuals affected with BARD1-related conditions. ClinVar contains an entry for this variant (Variation ID: 230879). An algorithm developed to predict the effect of missense changes on protein structure and function (PolyPhen-2) suggests that this variant is likely to be disruptive. In summary, the available evidence is currently insufficient to determine the role of this variant in disease. Therefore, it has been classified as a Variant of Uncertain Significance.

Ambry Genetics
Classification: Uncertain significance for Hereditary cancer-predisposing syndrome. Last evaluated: 2022-11-18. Review status: criteria provided, single submitter. Criteria: Ambry Variant Classification Scheme 2023. Collection method: clinical testing. Allele origin: germline.
Comment: The p.A522S variant (also known as c.1564G>T), located in coding exon 6 of the BARD1 gene, results from a G to T substitution at nucleotide position 1564. The alanine at codon 522 is replaced by serine, an amino acid with similar properties. This amino acid position is not well conserved in available vertebrate species. In addition, this alteration is predicted to be tolerated by in silico analysis. Since supporting evidence is limited at this time, the clinical significance of this alteration remains unclear.

Sema4
Classification: Uncertain significance for Hereditary cancer-predisposing syndrome. Last evaluated: 2022-03-09. Review status: criteria provided, single submitter. Criteria: Sema4 Curation Guidelines. Collection method: curation. Allele origin: germline.
Comment: The BARD1 c.1564G>T (p.A522S) variant has not been reported in the individuals with BARD1-related disease. It has been reported in a large case-control study of breast cancer in 1/60466 cases and not in 53461 controls (PMID: 33471991). This variant was not reported in the population database Genome Aggregation Database (PMID: 32461654). This variant has been reported in ClinVar (Variation ID: 230879). Functional studies have not been performed, and in silico predictions of the variant's effect on protein function are inconclusive. The evidence is insufficient to meet ACMG/AMP criteria for classifying the variant as benign or pathogenic. Thus, the clinical significance of this variant is currently uncertain.

Color Diagnostics, LLC DBA Color Health
Classification: Uncertain significance for Hereditary cancer-predisposing syndrome. Last evaluated: 2021-07-14. Review status: criteria provided, single submitter. Criteria: ACMG Guidelines, 2015. Collection method: clinical testing. Allele origin: germline.
Comment: This missense variant replaces alanine with serine at codon 522 of the BARD1 protein. Computational prediction suggests that this variant may not impact protein structure and function (internally defined REVEL score threshold <= 0.5, PMID: 27666373). To our knowledge, functional studies have not been reported for this variant. This variant has not been reported in individuals affected with hereditary cancer in the literature. This variant has not been identified in the general population by the Genome Aggregation Database (gnomAD). The available evidence is insufficient to determine the role of this variant in disease conclusively. Therefore, this variant is classified as a Variant of Uncertain Significance.

Mendelics
Classification: Uncertain significance for Familial cancer of breast. Last evaluated: 2018-07-02. Review status: criteria provided, single submitter. Criteria: Mendelics Assertion Criteria 2017. Collection method: clinical testing. Allele origin: unknown.

Literature cited by the submitters: PubMed 33471991 (cited by Sema4).